The following is an entry in ClinVar:

ClinVar aggregate classification (germline): Uncertain significance. Review status: criteria provided, multiple submitters, no conflicts (2 of 4 stars). 2 submissions from 2 submitters: Uncertain significance (2). Last evaluated 2025-03-09.

Conditions:
Distal myopathy with posterior leg and anterior hand involvement. Also called: WILLIAMS DISTAL MYOPATHY. Identifiers: Orphanet 63273, MedGen C3279722, MONDO:0013550, OMIM 614065.
Hypertrophic cardiomyopathy 26. Also called: Cardiomyopathy, familial hypertrophic, 26. Identifiers: Orphanet 75249, MedGen C4310749, MONDO:0014883, OMIM 617047.
Dilated Cardiomyopathy, Dominant.
Myofibrillar myopathy 5. Also called: Filaminopathy (type); FILAMINOPATHY, AUTOSOMAL DOMINANT. Identifiers: Orphanet 171445, MedGen C1836050, MONDO:0012289, OMIM 609524.
Cardiovascular phenotype. Identifiers: MedGen CN230736.

gnomAD v4.1: 4 of 1,611,280 alleles (0.00025%); highest among the groups gnomAD compares: Non-Finnish European, 0.00034%; no homozygotes.

Submissions (2):

Ambry Genetics
Classification: Uncertain significance for Cardiovascular phenotype. Last evaluated: 2025-03-09. Review status: criteria provided, single submitter. Criteria: Ambry Variant Classification Scheme 2023. Collection method: clinical testing. Allele origin: germline.
Comment: The p.R1352L variant (also known as c.4055G>T), located in coding exon 23 of the FLNC gene, results from a G to T substitution at nucleotide position 4055. The arginine at codon 1352 is replaced by leucine, an amino acid with dissimilar properties. This amino acid position is highly conserved in available vertebrate species. In addition, this alteration is predicted to be deleterious by in silico analysis. Since supporting evidence is limited at this time, the clinical significance of this alteration remains unclear.

Labcorp Genetics (formerly Invitae), Labcorp
Classification: Uncertain significance for Distal myopathy with posterior leg and anterior hand involvement; Myofibrillar myopathy 5; Hypertrophic cardiomyopathy 26. Last evaluated: 2024-06-04. Review status: criteria provided, single submitter. Criteria: Invitae Variant Classification Sherloc (09022015). Collection method: clinical testing. Allele origin: germline.
Comment: This sequence change replaces arginine, which is basic and polar, with leucine, which is neutral and non-polar, at codon 1352 of the FLNC protein (p.Arg1352Leu). This variant is not present in population databases (gnomAD no frequency). This variant has not been reported in the literature in individuals affected with FLNC-related conditions. ClinVar contains an entry for this variant (Variation ID: 1003808). Advanced modeling of protein sequence and biophysical properties (such as structural, functional, and spatial information, amino acid conservation, physicochemical variation, residue mobility, and thermodynamic stability) has been performed at Invitae for this missense variant, however the output from this modeling did not meet the statistical confidence thresholds required to predict the impact of this variant on FLNC protein function. In summary, the available evidence is currently insufficient to determine the role of this variant in disease. Therefore, it has been classified as a Variant of Uncertain Significance.

NM_001458.5(FLNC):c.4055G>T (p.Arg1352Leu)

Gene: FLNC (filamin C; plus strand). Cytogenetic location: 7q32.1.
Variant type: single nucleotide variant.
Coding change: c.4055G>T on transcript NM_001458.5 (MANE Select); coding-DNA position 4055, G replaced by T.
Protein change: p.Arg1352Leu; replaces arginine 1352 with leucine.
Molecular consequence: missense variant.
Genome position (GRCh38, 1-based): chr7:128,846,391, G>T. VCF-style: chr7-128846391-G-T. GRCh37 (hg19) VCF-style: chr7-128486445-G-T.
Other names: c.4055G>T, p.Arg1352Leu (NM_001127487.2); short protein forms R1352L.
Identifiers: ClinVar variation 1003808 (VCV001003808.13), dbSNP rs746731567, ClinGen allele CA369199026.
Genomic context (GRCh38, chr7:128,846,391, plus strand): 5'-AGGTCGCTGTGCCCAAGAGCCCCTTCCGAGTGGGCGTGACCGAGGGCTGTGATCCCACCC[G>T]CGTCCGAGCCTTCGGGCCAGGCCTGGAGGGTGGCTTGGTCAACAAGGCCAACCGATTCAC-3'
Protein context (NP_001449.3, residues 1342-1362): VGVTEGCDPT[Arg1352Leu]VRAFGPGLEG